The following is an entry in ClinVar:

NM_001276270.2(MBD4):c.1319A>C (p.Asn440Thr)

Gene: MBD4 (methyl-CpG binding domain 4, DNA glycosylase; minus strand). Cytogenetic location: 3q21.3.
Variant type: single nucleotide variant.
Coding change: c.1319A>C on transcript NM_001276270.2 (MANE Select); coding-DNA position 1319, A replaced by C.
Protein change: p.Asn440Thr; replaces asparagine 440 with threonine.
Molecular consequence: missense variant.
Genome position (GRCh38, 1-based): chr3:129,433,924, T>G on the plus strand (A>C on the coding strand, the complement: MBD4 is on the minus strand). VCF-style: chr3-129433924-T-G. GRCh37 (hg19) VCF-style: chr3-129152767-T-G.
Other names: c.1337A>C, p.Asn446Thr (NM_001276271.2, NM_001276272.2, NM_003925.3); c.383A>C, p.Asn128Thr (NM_001276273.2); short protein forms N440T, N128T, N446T.
Identifiers: ClinVar variation 4624439 (VCV004624439.2).
Genomic context (GRCh38, chr3:129,433,924, plus strand): 5'-AGAAATATAGTAGCGATGAGAAGCTTCCATGGATCATGAAAAAGTGTTTCTTGAACGAGA[T>G]TAAAAGGTGACCGAGGAGGTGTCCATTTCTTAAAGGCTTTACGTCGTGGGGGGCTAAGAG-3'
Protein context (NP_001263199.1, residues 430-450): KKWTPPRSPF[Asn440Thr]LVQETLFHDP

ClinVar aggregate classification (germline): Uncertain significance. Review status: criteria provided, multiple submitters, no conflicts (2 of 4 stars). 2 submissions from 2 submitters: Uncertain significance (2). Last evaluated 2025-12-10.

Conditions:
Inborn genetic diseases. Identifiers: MedGen C0950123, MeSH D030342.

Submissions (2):

Ambry Genetics
Classification: Uncertain significance for Inborn genetic diseases. Last evaluated: 2025-12-10. Review status: criteria provided, single submitter. Criteria: Ambry Variant Classification Scheme 2023. Collection method: clinical testing. Allele origin: germline.
Comment: The p.N440T variant (also known as c.1319A>C), located in coding exon 5 of the MBD4 gene, results from an A to C substitution at nucleotide position 1319. The asparagine at codon 440 is replaced by threonine, an amino acid with similar properties. This amino acid position is conserved. In addition, the in silico prediction for this alteration is inconclusive. Based on the available evidence, the clinical significance of this variant remains unclear.

Labcorp Genetics (formerly Invitae), Labcorp
Classification: Uncertain significance. Last evaluated: 2025-03-19. Review status: criteria provided, single submitter. Criteria: Invitae Variant Classification Sherloc (09022015). Collection method: clinical testing. Allele origin: germline.
Comment: This sequence change replaces asparagine, which is neutral and polar, with threonine, which is neutral and polar, at codon 446 of the MBD4 protein (p.Asn446Thr). This variant is not present in population databases (gnomAD no frequency). This variant has not been reported in the literature in individuals affected with MBD4-related conditions. An algorithm developed to predict the effect of missense changes on protein structure and function (PolyPhen-2) suggests that this variant is likely to be disruptive. In summary, the available evidence is currently insufficient to determine the role of this variant in disease. Therefore, it has been classified as a Variant of Uncertain Significance.